The following is an entry in ClinVar:

NM_006940.6(SOX5):c.1697G>A (p.Trp566Ter)

Gene: SOX5 (SRY-box transcription factor 5; minus strand). Cytogenetic location: 12p12.1.
Variant type: single nucleotide variant.
Coding change: c.1697G>A on transcript NM_006940.6 (MANE Select); coding-DNA position 1697, G replaced by A.
Protein change: p.Trp566Ter; replaces tryptophan 566 with a stop codon.
Molecular consequence: nonsense.
Genome position (GRCh38, 1-based): chr12:23,543,285, C>T on the plus strand (G>A on the coding strand, the complement: SOX5 is on the minus strand). VCF-style: chr12-23543285-C-T. GRCh37 (hg19) VCF-style: chr12-23696219-C-T.
Other names: c.1334G>A, p.Trp445Ter (NM_001261414.3); c.1667G>A, p.Trp556Ter (NM_001261415.3); c.1592G>A, p.Trp531Ter (NM_001330785.2); c.1658G>A, p.Trp553Ter (NM_152989.5); c.539G>A, p.Trp180Ter (NM_178010.4); short protein forms W180*, W445*, W531*, W553*, W556*, W566*.
Identifiers: ClinVar variation 1879227 (VCV001879227.29), dbSNP rs2547813133, ClinGen allele CA384319853.

ClinVar aggregate classification (germline): Pathogenic (1 of 4 stars; one submission).

Submission:

CeGaT Center for Human Genetics Tuebingen
Classification: Pathogenic. Last evaluated: 2022-12-01. Review status: criteria provided, single submitter. Criteria: CeGaT Center For Human Genetics Tuebingen Variant Classification Criteria Version 2. Collection method: clinical testing. Allele origin: germline. Affected: yes. Observed: 1 variant allele.
Comment: SOX5: PVS1, PS2, PM2